The following is an entry in ClinVar:

NM_177438.3(DICER1):c.3217C>G (p.Gln1073Glu)

Gene: DICER1 (dicer 1, ribonuclease III; minus strand). Cytogenetic location: 14q32.13.
Variant type: single nucleotide variant.
Coding change: c.3217C>G on transcript NM_177438.3 (MANE Select); coding-DNA position 3217, C replaced by G.
Protein change: p.Gln1073Glu; replaces glutamine 1073 with glutamic acid.
Molecular consequence: missense variant. On other transcripts: non-coding transcript variant (6).
Genome position (GRCh38, 1-based): chr14:95,105,123, G>C on the plus strand (C>G on the coding strand, the complement: DICER1 is on the minus strand). VCF-style: chr14-95105123-G-C. GRCh37 (hg19) VCF-style: chr14-95571460-G-C.
Other names: c.3217C>G, p.Gln1073Glu (NM_001195573.1, NM_001271282.3, NM_001291628.2 and 13 more transcripts); c.2935C>G, p.Gln979Glu (NM_001395686.1); c.2812C>G, p.Gln938Glu (NM_001395687.1, NM_001395688.1, NM_001395689.1 and 2 more transcripts); c.2650C>G, p.Gln884Glu (NM_001395691.1); c.1534C>G, p.Gln512Glu (NM_001395697.1); short protein forms Q979E, Q1073E, Q512E, Q938E, Q884E.
Identifiers: ClinVar variation 2566233 (VCV002566233.2), dbSNP rs2542752709, ClinGen allele CA390876484.

ClinVar aggregate classification (germline): Uncertain significance (1 of 4 stars; one submission).

Conditions:
Hereditary cancer-predisposing syndrome. Also called: Neoplastic Syndromes, Hereditary; Hereditary Cancer Syndrome; Hereditary neoplastic syndrome; Tumor predisposition. Identifiers: Orphanet 140162, MedGen C0027672, MeSH D009386, MONDO:0015356.

Submission:

Ambry Genetics
Classification: Uncertain significance for Hereditary cancer-predisposing syndrome. Last evaluated: 2023-06-12. Review status: criteria provided, single submitter. Criteria: Ambry Variant Classification Scheme 2023. Collection method: clinical testing. Allele origin: germline.
Comment: The p.Q1073E variant (also known as c.3217C>G), located in coding exon 19 of the DICER1 gene, results from a C to G substitution at nucleotide position 3217. The glutamine at codon 1073 is replaced by glutamic acid, an amino acid with highly similar properties. This amino acid position is conserved. In addition, this alteration is predicted to be tolerated by in silico analysis. Since supporting evidence is limited at this time, the clinical significance of this alteration remains unclear.